The following is an entry in ClinVar:

NM_182641.4(BPTF):c.3233G>A (p.Arg1078Gln)

Gene: BPTF (bromodomain PHD finger transcription factor; plus strand). Cytogenetic location: 17q24.2.
Variant type: single nucleotide variant.
Coding change: c.3233G>A on transcript NM_182641.4 (MANE Select); coding-DNA position 3233, G replaced by A.
Protein change: p.Arg1078Gln; replaces arginine 1078 with glutamine.
Molecular consequence: missense variant.
Genome position (GRCh38, 1-based): chr17:67,911,117, G>A. VCF-style: chr17-67911117-G-A. GRCh37 (hg19) VCF-style: chr17-65907233-G-A.
Other names: c.3611G>A, p.Arg1204Gln (NM_004459.7); c.3233G>A (NM_182641.3); short protein forms R1078Q, R1204Q.
Identifiers: ClinVar variation 2200437 (VCV002200437.5), dbSNP rs759652020, ClinGen allele CA8725604.

ClinVar aggregate classification (germline): Uncertain significance. Review status: criteria provided, multiple submitters, no conflicts (2 of 4 stars). 2 submissions from 2 submitters: Uncertain significance (2). Last evaluated 2025-10-22.

Conditions:
Inborn genetic diseases. Identifiers: MedGen C0950123, MeSH D030342.

Allele frequency attached by ClinVar (database versions not stated): gnomAD 0.00002; TOPMed 0.00003; ExAC 0.00005.
gnomAD v4.1: 21 of 1,613,826 alleles (0.0013%); highest among the groups gnomAD compares: Admixed American, 0.015%; no homozygotes.

Submissions (2):

Ambry Genetics
Classification: Uncertain significance for Inborn genetic diseases. Last evaluated: 2025-10-22. Review status: criteria provided, single submitter. Criteria: Ambry Variant Classification Scheme 2023. Collection method: clinical testing. Allele origin: germline.

Labcorp Genetics (formerly Invitae), Labcorp
Classification: Uncertain significance. Last evaluated: 2022-05-05. Review status: criteria provided, single submitter. Criteria: Invitae Variant Classification Sherloc (09022015). Collection method: clinical testing. Allele origin: germline.
Comment: In summary, the available evidence is currently insufficient to determine the role of this variant in disease. Therefore, it has been classified as a Variant of Uncertain Significance. Algorithms developed to predict the effect of missense changes on protein structure and function (SIFT, PolyPhen-2, Align-GVGD) all suggest that this variant is likely to be tolerated. This variant has not been reported in the literature in individuals affected with BPTF-related conditions. This variant is present in population databases (rs759652020, gnomAD 0.02%). This sequence change replaces arginine, which is basic and polar, with glutamine, which is neutral and polar, at codon 1204 of the BPTF protein (p.Arg1204Gln).